The following is an entry in ClinVar:

NM_014588.6(VSX1):c.*744C>A

Gene: VSX1 (visual system homeobox 1; minus strand). Cytogenetic location: 20p11.21.
Variant type: single nucleotide variant.
Coding change: c.*744C>A on transcript NM_014588.6 (MANE Select); 744 bases downstream of the stop codon, C replaced by A.
Molecular consequence: 3 prime UTR variant. On other transcripts: non-coding transcript variant (2), intron variant (2).
Genome position (GRCh38, 1-based): chr20:25,075,517, G>T on the plus strand (C>A on the coding strand, the complement: VSX1 is on the minus strand). VCF-style: chr20-25075517-G-T. GRCh37 (hg19) VCF-style: chr20-25056153-G-T.
Other names: c.*744C>A (NM_001378633.1); c.627+3312C>A (NM_001256271.2); c.808+2168C>A (NM_001256272.2).
Identifiers: ClinVar variation 337946 (VCV000337946.5), dbSNP rs139744143, ClinGen allele CA10649442.

ClinVar aggregate classification (germline): Benign (1 of 4 stars; one submission).

Conditions:
Posterior polymorphous corneal dystrophy. Also called: CORNEAL DYSTROPHY, HEREDITARY POLYMORPHOUS POSTERIOR; Polymorphous corneal dystrophy. Identifiers: Orphanet 98973, MedGen C0339284, MONDO:0020364, HP:0007915.

Allele frequency attached by ClinVar (database versions not stated): TOPMed 0.00027; gnomAD 0.00032; 1000 Genomes Project 30x 0.00141; 1000 Genomes Project 0.00160.

Submission:

Illumina Laboratory Services, Illumina
Classification: Benign for Polymorphous corneal dystrophy. Last evaluated: 2018-01-13. Review status: criteria provided, single submitter. Criteria: ICSL Variant Classification Criteria 13 December 2019. Collection method: clinical testing. Allele origin: germline.
Comment: This variant was observed in the ICSL laboratory as part of a predisposition screen in an ostensibly healthy population. It had not been previously curated by ICSL or reported in the Human Gene Mutation Database (HGMD: prior to June 1st, 2018), and was therefore a candidate for classification through an automated scoring system. Utilizing variant allele frequency, disease prevalence and penetrance estimates, and inheritance mode, an automated score was calculated to assess if this variant is too frequent to cause the disease. Based on the score and internal cut-off values, a variant classified as benign is not then subjected to further curation. The score for this variant resulted in a classification of benign for this disease.